The following is an entry in ClinVar:

NM_015978.3(TNNI3K):c.2308G>A (p.Glu770Lys)

Genes: FPGT-TNNI3K (FPGT-TNNI3K readthrough; plus strand), LRRC53 (leucine rich repeat containing 53; minus strand), TNNI3K (TNNI3 interacting kinase; plus strand). Cytogenetic location: 1p31.1.
Variant type: single nucleotide variant.
Coding change: c.2308G>A on transcript NM_015978.3 (MANE Select); coding-DNA position 2308, G replaced by A.
Protein change: p.Glu770Lys; replaces glutamic acid 770 with lysine.
Molecular consequence: missense variant. On other transcripts: intron variant (2).
Genome position (GRCh38, 1-based): chr1:74,492,223, G>A. VCF-style: chr1-74492223-G-A. GRCh37 (hg19) VCF-style: chr1-74957907-G-A.
Other names: c.2611G>A, p.Glu871Lys (NM_001112808.3); c.-8-11255C>T (NM_001364666.2); c.-26-8848C>T (NM_001382280.1); short protein forms E770K, E871K.
Identifiers: ClinVar variation 2125896 (VCV002125896.4), dbSNP rs200475459, ClinGen allele CA340799474.

ClinVar aggregate classification (germline): Uncertain significance (1 of 4 stars; one submission).

Submission:

Labcorp Genetics (formerly Invitae), Labcorp
Classification: Uncertain significance. Last evaluated: 2022-04-13. Review status: criteria provided, single submitter. Criteria: Invitae Variant Classification Sherloc (09022015). Collection method: clinical testing. Allele origin: germline.
Comment: In summary, the available evidence is currently insufficient to determine the role of this variant in disease. Therefore, it has been classified as a Variant of Uncertain Significance. Algorithms developed to predict the effect of missense changes on protein structure and function are either unavailable or do not agree on the potential impact of this missense change (SIFT: "Deleterious"; PolyPhen-2: "Benign"; Align-GVGD: "Class C55"). This variant has not been reported in the literature in individuals affected with TNNI3K-related conditions. This variant is not present in population databases (gnomAD no frequency). This sequence change replaces glutamic acid, which is acidic and polar, with lysine, which is basic and polar, at codon 770 of the TNNI3K protein (p.Glu770Lys).